The following is an entry in ClinVar:

ClinVar aggregate classification (germline): Uncertain significance. Review status: criteria provided, multiple submitters, no conflicts (2 of 4 stars). 3 submissions from 3 submitters: Uncertain significance (3). Last evaluated 2024-12-16.

Conditions:
Malignant tumor of urinary bladder. Also called: Bladder cancer; Urinary Bladder Neoplasms; Urinary bladder cancer. Identifiers: MedGen C0005684, MONDO:0001187, OMIM 109800.
Bone osteosarcoma. Also called: Osteosarcoma, somatic. Identifiers: Orphanet 668, MedGen C0585442, MONDO:0002629, OMIM 259500.
Small cell lung carcinoma. Also called: Small cell lung cancer; SMALL CELL CANCER OF THE LUNG, SOMATIC; Lung oat cell carcinoma. Identifiers: Orphanet 70573, MedGen C0149925, MeSH D055752, MONDO:0008433, OMIM 182280, HP:0030357.
Retinoblastoma (RB1). Also called: RETINOBLASTOMA, SOMATIC. Identifiers: Orphanet 790, MedGen C0035335, MeSH D012175, MONDO:0008380, OMIM 180200, HP:0009919. Disease mechanism: loss of function. Inheritance: Both sporadic and heritable forms are tested..
Hereditary cancer-predisposing syndrome. Also called: Neoplastic Syndromes, Hereditary; Tumor predisposition; Hereditary Cancer Syndrome; Hereditary neoplastic syndrome. Identifiers: Orphanet 140162, MedGen C0027672, MeSH D009386, MONDO:0015356.

Submissions (3):

Ambry Genetics
Classification: Uncertain significance for Hereditary cancer-predisposing syndrome. Last evaluated: 2024-12-16. Review status: criteria provided, single submitter. Criteria: Ambry Variant Classification Scheme 2023. Collection method: clinical testing. Allele origin: germline.
Comment: The c.45_53dupTGCCGCCGC variant (also known as p.A16_A18dup), located in coding exon 1 of the RB1 gene, results from an in-frame duplication of TGCCGCCGC at nucleotide positions 45 to 53. This results in the duplication of 3 extra residues (AAA) between codons 16 and 18. This amino acid region is well conserved in available vertebrate species. In addition, this alteration is predicted to be neutral by in silico analysis (Choi Y et al. PLoS ONE. 2012; 7(10):e46688). Based on the available evidence, the clinical significance of this variant remains unclear.

Fulgent Genetics
Classification: Uncertain significance for Malignant tumor of urinary bladder; Retinoblastoma; Small cell lung carcinoma; Bone osteosarcoma. Last evaluated: 2024-06-12. Review status: criteria provided, single submitter. Criteria: ACMG Guidelines, 2015. Collection method: clinical testing. Allele origin: germline.

Labcorp Genetics (formerly Invitae), Labcorp
Classification: Uncertain significance for Retinoblastoma. Last evaluated: 2020-03-04. Review status: criteria provided, single submitter. Criteria: Invitae Variant Classification Sherloc (09022015). Collection method: clinical testing. Allele origin: germline.
Comment: This variant, c.45_53dup, results in the insertion of 3 amino acid(s) to the RB1 protein (p.Ala16_Ala18dup), but otherwise preserves the integrity of the reading frame. The frequency data for this variant in the population databases is considered unreliable, as metrics indicate insufficient coverage at this position in the ExAC database. In summary, the available evidence is currently insufficient to determine the role of this variant in disease. Therefore, it has been classified as a Variant of Uncertain Significance. Experimental studies and prediction algorithms are not available or were not evaluated, and the functional significance of this variant is currently unknown. This variant has not been reported in the literature in individuals with RB1-related conditions.

NM_000321.3(RB1):c.45_53dup (p.Ala16_Ala18dup)

Gene: RB1 (RB transcriptional corepressor 1; plus strand). Cytogenetic location: 13q14.2.
Variant type: Duplication.
Coding change: c.45_53dup on transcript NM_000321.3 (MANE Select); coding-DNA positions 45 to 53, 9 bases duplicated (TGCCGCCGC; older notation c.45_53dupTGCCGCCGC).
Protein change: p.Ala16_Ala18dup.
Molecular consequence: inframe insertion.
Genome position (GRCh38, 1-based): chr13:48,303,957-48,303,965, TGCCGCCGC duplicated; duplicating any 9 consecutive bases within chr13:48,303,949-48,303,965 gives the same sequence; the c. name uses the placement nearest the transcript's 3' end. VCF-style (leftmost placement, unchanged base first): chr13-48303948-C-CGCCGCCGCT. GRCh37 (hg19) VCF-style: chr13-48878084-C-CGCCGCCGCT.
Other names: c.45_53dup (NM_000321.2); c.45_53dupTGCCGCCGC (NM_000321.2).
Identifiers: ClinVar variation 1001246 (VCV001001246.10), dbSNP rs572454921, ClinGen allele CA2089949978.